The following is an entry in ClinVar:

ClinVar aggregate classification (germline): Conflicting classifications of pathogenicity. Review status: criteria provided, conflicting classifications (1 of 4 stars). 6 submissions from 6 submitters: Uncertain significance (3); Likely benign (3). Last evaluated 2026-05-30.

Conditions:
Wilson disease (WND). Also called: Wilson's disease. Identifiers: Orphanet 905, MedGen C0019202, MONDO:0010200, OMIM 277900. Disease mechanism: loss of function.

Allele frequency attached by ClinVar (database versions not stated): TOPMed 0.00080; 1000 Genomes Project 30x 0.00109; gnomAD 0.00086; 1000 Genomes Project 0.00100; gnomAD exomes 0.00014; ESP Exome Variant Server 0.00048.
gnomAD v4.1: 206 of 1,614,222 alleles (0.013%); highest among the groups gnomAD compares: African/African-American, 0.26%; no homozygotes.

Submissions (6):

Women's Health and Genetics/Laboratory Corporation of America, LabCorp
Classification: Uncertain significance. Last evaluated: 2026-05-30. Review status: criteria provided, single submitter. Criteria: LabCorp Variant Classification Summary - May 2015. Collection method: clinical testing. Allele origin: germline.

Labcorp Genetics (formerly Invitae), Labcorp
Classification: Likely benign for Wilson disease. Last evaluated: 2026-02-01. Review status: criteria provided, single submitter. Criteria: Invitae Variant Classification Sherloc (09022015). Collection method: clinical testing. Allele origin: germline.

Color Diagnostics, LLC DBA Color Health
Classification: Likely benign for Wilson disease. Last evaluated: 2025-08-06. Review status: criteria provided, single submitter. Criteria: ACMG Guidelines, 2015. Collection method: clinical testing. Allele origin: germline.

ARUP Laboratories, Molecular Genetics and Genomics, ARUP Laboratories
Classification: Uncertain significance for Wilson disease. Last evaluated: 2023-06-20. Review status: criteria provided, single submitter. Criteria: ARUP Molecular Germline Variant Investigation Process 2024. Collection method: clinical testing. Allele origin: germline.
Comment: The ATP7B c.2174G>A; p.Arg725Lys variant (rs115227204), to our knowledge, is not reported in the medical literature but is reported in ClinVar (Variation ID: 456551). This variant is found in the African/African-American population with an allele frequency of 0.3% (63/24202 alleles) in the Genome Aggregation Database. Computational analyses are uncertain whether this variant is neutral or deleterious (REVEL: 0.158). Due to limited information, the clinical significance of this variant is uncertain at this time.

Genome-Nilou Lab
Classification: Likely benign for Wilson disease. Last evaluated: 2021-08-10. Review status: criteria provided, single submitter. Criteria: ACMG Guidelines, 2015. Collection method: clinical testing. Allele origin: germline. Affected: no.

Mayo Clinic Laboratories, Mayo Clinic
Classification: Uncertain significance. Last evaluated: 2020-12-02. Review status: criteria provided, single submitter. Criteria: ACMG Guidelines, 2015. Collection method: clinical testing. Allele origin: germline. Observed: 1 variant allele.

NM_000053.4(ATP7B):c.2174G>A (p.Arg725Lys)

Gene: ATP7B (ATPase copper transporting beta; minus strand). Cytogenetic location: 13q14.3.
Variant type: single nucleotide variant.
Coding change: c.2174G>A on transcript NM_000053.4 (MANE Select); coding-DNA position 2174, G replaced by A.
Protein change: p.Arg725Lys; replaces arginine 725 with lysine.
Molecular consequence: missense variant. On other transcripts: intron variant (2).
Genome position (GRCh38, 1-based): chr13:51,958,492, C>T on the plus strand (G>A on the coding strand, the complement: ATP7B is on the minus strand). VCF-style: chr13-51958492-C-T. GRCh37 (hg19) VCF-style: chr13-52532628-C-T.
Other names: c.1841G>A, p.Arg614Lys (NM_001243182.2); c.1922G>A, p.Arg641Lys (NM_001330579.2); c.1870-885G>A (NM_001005918.3); c.2122-885G>A (NM_001330578.2); short protein forms R725K, R641K, R614K.
Identifiers: ClinVar variation 456551 (VCV000456551.21), dbSNP rs115227204, ClinGen allele CA6989092.
Genomic context (GRCh38, chr13:51,958,492, plus strand): 5'-AGAGAATAAACATAAGCAATGCTTGTGGCCAGGACGATGAGCACGTCCATGTTGGCTGAC[C>T]TGTGTCTCAGAGATTTGTAGGCCTGAACGTAGAAGTACCACCCACCGAGGAGCTGAAAGA-3'
Protein context (NP_000044.2, residues 715-735): YVQAYKSLRH[Arg725Lys]SANMDVLIVL